The following is an entry in ClinVar:

ClinVar aggregate classification (germline): Uncertain significance. Review status: criteria provided, multiple submitters, no conflicts (2 of 4 stars). 3 submissions from 3 submitters: Uncertain significance (3). Last evaluated 2022-07-12.

Conditions:
Intellectual developmental disorder, X-linked 90. Also called: DLG3-Related X-Linked Nonsyndromic Mental Retardation; Intellectual disability, X-linked 90. Identifiers: Orphanet 777, MedGen C3275443, MONDO:0010452, OMIM 300850.
Inborn genetic diseases. Identifiers: MedGen C0950123, MeSH D030342.

Allele frequency attached by ClinVar (database versions not stated): gnomAD exomes 0.00001; gnomAD 0.00003 and 0.00002; TOPMed 0.00004.
gnomAD v4.1: 13 of 1,195,825 alleles (0.0011%); highest among the groups gnomAD compares: East Asian, 0.003%; no homozygotes.

Submissions (3):

Ambry Genetics
Classification: Uncertain significance for Inborn genetic diseases. Last evaluated: 2022-07-12. Review status: criteria provided, single submitter. Criteria: Ambry Variant Classification Scheme 2023. Collection method: clinical testing. Allele origin: germline.

Greenwood Genetic Center Diagnostic Laboratories, Greenwood Genetic Center
Classification: Uncertain significance. Last evaluated: 2021-08-05. Review status: criteria provided, single submitter. Criteria: ACMG Guidelines, 2015. Collection method: clinical testing. Allele origin: germline. Affected: yes.
Comment: PM2

New York Genome Center
Classification: Uncertain significance for Intellectual developmental disorder, X-linked 90. Last evaluated: 2021-07-01. Review status: criteria provided, single submitter. Criteria: NYGC Assertion Criteria 2020. Collection method: clinical testing. Allele origin: inherited. Observed: 1 heterozygote. Study: CSER-NYCKidSeq.

NM_021120.4(DLG3):c.2243T>C (p.Ile748Thr)

Gene: DLG3 (discs large MAGUK scaffold protein 3; plus strand). Cytogenetic location: Xq13.1.
Variant type: single nucleotide variant.
Coding change: c.2243T>C on transcript NM_021120.4 (MANE Select); coding-DNA position 2243, T replaced by C.
Protein change: p.Ile748Thr; replaces isoleucine 748 with threonine.
Molecular consequence: missense variant.
Genome position (GRCh38, 1-based): chrX:70,500,568, T>C. VCF-style: chrX-70500568-T-C. GRCh37 (hg19) VCF-style: chrX-69720418-T-C.
Other names: c.890T>C, p.Ile297Thr (NM_001166278.2); c.1328T>C, p.Ile443Thr (NM_020730.3); c.2243T>C (NM_021120.3); short protein forms I297T, I443T, I748T.
Identifiers: ClinVar variation 1334558 (VCV001334558.7), dbSNP rs1234828740, ClinGen allele CA413461295.